The following is an entry in ClinVar:

ClinVar aggregate classification (germline): Pathogenic (1 of 4 stars; one submission).

Conditions:
CEP290-related ciliopathy. Also called: CEP290 ciliopathy. Identifiers: MedGen CN305601, MONDO:0100451.

Submission:

Myriad Genetics, Inc.
Classification: Pathogenic for CEP290-related ciliopathy. Last evaluated: 2025-03-29. Review status: criteria provided, single submitter. Criteria: Myriad Autosomal Dominant, Autosomal Recessive and X-Linked Classification Criteria (2023). Collection method: clinical testing. Allele origin: unknown.
Comment: NM_025114.3(CEP290):c.6580delT(S2194Pfs*32) is expected to be pathogenic in the context of CEP290-related disorders. This variant is predicted to lead to an abnormal or absent protein product due to the creation of a premature termination codon in CEP290, a gene where loss-of-function variants are known to be pathogenic. Please note: this variant was assessed in the context of healthy population screening.

NM_025114.4(CEP290):c.6580del (p.Ser2194fs)

Gene: CEP290 (centrosomal protein 290; minus strand). Cytogenetic location: 12q21.32.
Variant type: Deletion.
Coding change: c.6580del on transcript NM_025114.4 (MANE Select); coding-DNA position 6580, one base deleted (T; older notation c.6580delT).
Protein change: p.Ser2194fs; shifts the reading frame from serine 2194.
Molecular consequence: frameshift variant.
Genome position (GRCh38, 1-based): chr12:88,059,963, A deleted on the plus strand (T on the coding strand, the reverse complement: CEP290 is on the minus strand). VCF-style (leftmost placement, unchanged base first): chr12-88059962-GA-G. GRCh37 (hg19) VCF-style: chr12-88453739-GA-G.
Other names: short protein forms S2194fs.
Identifiers: ClinVar variation 5014279 (VCV005014279.1).